The following is an entry in ClinVar:

ClinVar aggregate classification (germline): Uncertain significance (1 of 4 stars; one submission).

Submission:

Dasa
Classification: Uncertain significance. Last evaluated: 2024-12-16. Review status: criteria provided, single submitter. Criteria: DASA Assertion Criteria. Collection method: clinical testing. Allele origin: germline.
Comment: NM_022841.7(RFX7):c.945_947del (p.Gln316del) is an in-frame deletion predicted to remove glutamine at protein position 316 without shifting the reading frame. This variant is rare in population databases. The currently available literature and clinical evidence are not sufficient to establish a definitive association between this variant and the reported condition. Therefore, this variant is classified as a variant of uncertain significance.

NM_022841.7(RFX7):c.942GCA[1] (p.Gln316del)

Gene: RFX7 (regulatory factor X7; minus strand). Cytogenetic location: 15q21.3.
Variant type: Microsatellite.
Coding change: c.942GCA[1] on transcript NM_022841.7 (MANE Select); one copy of the 3-base unit GCA starting at c.942; the reference has two copies in a row; one copy, 3 bases deleted; also written c.945_947del.
Protein change: p.Gln316del; deletes glutamine 316.
Molecular consequence: inframe deletion.
Genome position (GRCh38, 1-based): chr15:56,098,241-56,098,243, TGC deleted on the plus strand (GCA on the coding strand, the reverse complement: RFX7 is on the minus strand); deleting any 3 consecutive bases within chr15:56,098,241-56,098,247 gives the same sequence; the position shown is the placement nearest the transcript's 3' end. VCF-style (leftmost placement, unchanged base first): chr15-56098240-TTGC-T. GRCh37 (hg19) VCF-style: chr15-56390438-TTGC-T.
Other names: c.651GCA[1], p.Gln219del (NM_001368073.2, NM_001368074.1, NM_001370554.1); c.945_947del (NM_022841.7); c.942GCA[1], p.Gln316del (NM_001370561.1); short protein forms Q219del, Q316del.
Identifiers: ClinVar variation 4884043 (VCV004884043.2).
Genomic context (GRCh38, chr15:56,098,240, plus strand): 5'-AGCACTTTCTGACTTTTTTGCTGCAGATTCTCCTGGCAAAGGGGATTGTAGTTTCTGTTC[TTGC>T]TGCTTCTTCTGGATTTTCCGTTGCAACTGCTGTTTAGCATCAATTGGAGATGGCAAAGTC-3'